The following is an entry in ClinVar:

ClinVar aggregate classification (germline): Likely benign (1 of 4 stars; one submission).

Conditions:
Leigh syndrome (NULS). Also called: Leigh's necrotizing encephalopathy; Leigh's disease; Leigh Syndrome (mtDNA deletion); Leigh Disease; Subacute necrotizing encephalopathy; Necrotizing encephalopathy infantile subacute of Leigh. Identifiers: Orphanet 506, MedGen C2931891, MONDO:0009723, OMIM 256000.

Submission:

Wong Mito Lab, Molecular and Human Genetics, Baylor College of Medicine
Classification: Likely benign for Leigh syndrome. Last evaluated: 2019-10-17. Review status: criteria provided, single submitter. Criteria: Modified ACMG Guidelines (Unpublished). Collection method: clinical testing. Allele origin: germline.
Comment: The NC_012920.1:m.4231A>G (YP_003024026.1:p.Ile309Val) variant in MTND1 gene is interpretated to be a Likely Benign variant based on the modified ACMG guidelines (unpublished). This variant meets the following evidence codes: BS1, BP4

NC_012920.1(MT-ND1):m.4231A>G

Gene: MT-ND1 (mitochondrially encoded NADH dehydrogenase 1; plus strand).
Variant type: single nucleotide variant.
Genome position: chrM-4231-A-G.
Identifiers: ClinVar variation 692438 (VCV000692438.1), dbSNP rs878929819, ClinGen allele CA337096828.
Genomic context (GRCh38, chrMT:4,231, plus strand): 5'-CTATGAAAAAACTTCCTACCACTCACCCTAGCATTACTTATATGATATGTCTCCATACCC[A>G]TTACAATCTCCAGCATTCCCCCTCAAACCTAAGAAATATGTCTGATAAAAGAGTTACTTT-3'